The following is an entry in ClinVar:

NM_000238.4(KCNH2):c.280G>A (p.Val94Met)

Gene: KCNH2 (potassium voltage-gated channel subfamily H member 2; minus strand). Cytogenetic location: 7q36.1.
Variant type: single nucleotide variant.
Coding change: c.280G>A on transcript NM_000238.4 (MANE Select); coding-DNA position 280, G replaced by A.
Protein change: p.Val94Met; replaces valine 94 with methionine.
Molecular consequence: missense variant.
Genome position (GRCh38, 1-based): chr7:150,974,738, C>T on the plus strand (G>A on the coding strand, the complement: KCNH2 is on the minus strand). VCF-style: chr7-150974738-C-T. GRCh37 (hg19) VCF-style: chr7-150671826-C-T.
Other names: c.103G>A, p.Val35Met (NM_001406755.1); c.280G>A, p.Val94Met (NM_172056.3); short protein forms V94M, V35M.
Identifiers: ClinVar variation 1055911 (VCV001055911.8), dbSNP rs756115394, ClinGen allele CA072383.

ClinVar aggregate classification (germline): Uncertain significance (1 of 4 stars; one submission).

Conditions:
Long QT syndrome (LQTS). Identifiers: MedGen C0023976, MeSH D008133, MONDO:0002442. Disease mechanism: loss of function. Inheritance: Various modes of inheritance.

Submission:

Labcorp Genetics (formerly Invitae), Labcorp
Classification: Uncertain significance for Long QT syndrome. Last evaluated: 2023-12-18. Review status: criteria provided, single submitter. Criteria: Invitae Variant Classification Sherloc (09022015). Collection method: clinical testing. Allele origin: germline.
Comment: This sequence change replaces valine, which is neutral and non-polar, with methionine, which is neutral and non-polar, at codon 94 of the KCNH2 protein (p.Val94Met). This variant is not present in population databases (gnomAD no frequency). This missense change has been observed in individual(s) with long QT syndrome (PMID: 21956039). ClinVar contains an entry for this variant (Variation ID: 1055911). An algorithm developed to predict the effect of missense changes on protein structure and function (PolyPhen-2) suggests that this variant is likely to be disruptive. Experimental studies have shown that this missense change affects KCNH2 function (PMID: 35688148). This variant disrupts the p.Val94 amino acid residue in KCNH2. Other variant(s) that disrupt this residue have been observed in individuals with KCNH2-related conditions (Invitae), which suggests that this may be a clinically significant amino acid residue. In summary, the available evidence is currently insufficient to determine the role of this variant in disease. Therefore, it has been classified as a Variant of Uncertain Significance.

Literature cited by the submitters: PubMed 21956039; PubMed 35688148.